The following is an entry in ClinVar:

ClinVar aggregate classification (germline): Uncertain significance (1 of 4 stars; one submission).

Allele frequency attached by ClinVar (database versions not stated): gnomAD exomes 0.00001 and 0.00006; ExAC 0.00002; gnomAD 0.00004; TOPMed 0.00004.
gnomAD v4.1: 89 of 1,606,568 alleles (0.0055%); highest among the groups gnomAD compares: Non-Finnish European, 0.0074%; no homozygotes.

Submission:

Labcorp Genetics (formerly Invitae), Labcorp
Classification: Uncertain significance. Last evaluated: 2022-03-30. Review status: criteria provided, single submitter. Criteria: Invitae Variant Classification Sherloc (09022015). Collection method: clinical testing. Allele origin: germline.
Comment: This variant is present in population databases (rs776878260, gnomAD 0.003%). This sequence change replaces glutamic acid, which is acidic and polar, with glycine, which is neutral and non-polar, at codon 250 of the TNFRSF9 protein (p.Glu250Gly). This variant has not been reported in the literature in individuals affected with TNFRSF9-related conditions. In summary, the available evidence is currently insufficient to determine the role of this variant in disease. Therefore, it has been classified as a Variant of Uncertain Significance. Algorithms developed to predict the effect of missense changes on protein structure and function are either unavailable or do not agree on the potential impact of this missense change (SIFT: "Deleterious"; PolyPhen-2: "Possibly Damaging"; Align-GVGD: "Class C0").

NM_001561.6(TNFRSF9):c.749A>G (p.Glu250Gly)

Gene: TNFRSF9 (TNF receptor superfamily member 9; minus strand). Cytogenetic location: 1p36.23.
Variant type: single nucleotide variant.
Coding change: c.749A>G on transcript NM_001561.6 (MANE Select); coding-DNA position 749, A replaced by G.
Protein change: p.Glu250Gly; replaces glutamic acid 250 with glycine.
Molecular consequence: missense variant.
Genome position (GRCh38, 1-based): chr1:7,920,854, T>C on the plus strand (A>G on the coding strand, the complement: TNFRSF9 is on the minus strand). VCF-style: chr1-7920854-T-C. GRCh37 (hg19) VCF-style: chr1-7980914-T-C.
Other names: short protein forms E250G.
Identifiers: ClinVar variation 1426318 (VCV001426318.4), dbSNP rs776878260, ClinGen allele CA569113.